The following is an entry in ClinVar:

ClinVar aggregate classification (germline): Benign/Likely benign. Review status: criteria provided, multiple submitters, no conflicts (2 of 4 stars). 3 submissions from 3 submitters: Benign (1); Likely benign (2). Last evaluated 2025-02-11.

Conditions:
Familial cancer of breast. Also called: hereditary breast carcinoma; Hereditary breast cancer; BREAST CANCER, FAMILIAL. Identifiers: Orphanet 227535, MedGen C0346153, MONDO:0016419, OMIM 114480. Disease mechanism: loss of function.
Hereditary cancer-predisposing syndrome. Also called: Hereditary neoplastic syndrome; Tumor predisposition; Neoplastic Syndromes, Hereditary; Hereditary Cancer Syndrome. Identifiers: Orphanet 140162, MedGen C0027672, MeSH D009386, MONDO:0015356.
Fanconi anemia complementation group J. Also called: BRIP1-Related Fanconi Anemia. Identifiers: Orphanet 84, MedGen C1836860, MONDO:0012187, OMIM 609054.

Allele frequency attached by ClinVar (database versions not stated): gnomAD exomes below 0.00001.
gnomAD v4.1: 1 of 1,614,186 alleles (0.000062%); highest among the groups gnomAD compares: South Asian, 0.0011%; no homozygotes.

Submissions (3):

Labcorp Genetics (formerly Invitae), Labcorp
Classification: Likely benign for Familial cancer of breast; Fanconi anemia complementation group J. Last evaluated: 2025-02-11. Review status: criteria provided, single submitter. Criteria: Invitae Variant Classification Sherloc (09022015). Collection method: clinical testing. Allele origin: germline.

Myriad Genetics, Inc.
Classification: Benign for Familial cancer of breast. Last evaluated: 2024-09-09. Review status: criteria provided, single submitter. Criteria: Myriad Autosomal Dominant, Autosomal Recessive and X-Linked Classification Criteria (2023). Collection method: clinical testing. Allele origin: unknown.
Comment: This variant is considered benign. This variant is a silent/synonymous amino acid change and it is not expected to impact splicing.

Ambry Genetics
Classification: Likely benign for Hereditary cancer-predisposing syndrome. Last evaluated: 2023-02-03. Review status: criteria provided, single submitter. Criteria: Ambry Variant Classification Scheme 2023. Collection method: clinical testing. Allele origin: germline.

NM_032043.3(BRIP1):c.3129T>C (p.Ser1043=)

Gene: BRIP1 (BRCA1 interacting DNA helicase 1; minus strand). Cytogenetic location: 17q23.2.
Variant type: single nucleotide variant.
Coding change: c.3129T>C on transcript NM_032043.3 (MANE Select); coding-DNA position 3129, T replaced by C.
Protein change: p.Ser1043=; no amino-acid change (serine 1043 retained).
Molecular consequence: synonymous variant.
Genome position (GRCh38, 1-based): chr17:61,683,917, A>G on the plus strand (T>C on the coding strand, the complement: BRIP1 is on the minus strand). VCF-style: chr17-61683917-A-G. GRCh37 (hg19) VCF-style: chr17-59761278-A-G.
Identifiers: ClinVar variation 2449937 (VCV002449937.4), dbSNP rs2144087136, ClinGen allele CA501335355.
Genomic context (GRCh38, chr17:61,683,917, plus strand): 5'-CGATGTGTTTACTGTCAGATTTGAGGATTCACATTTATCAGTGAAGGGCAAAACAGTTTT[A>G]CTTTCCATCTTCTCTGTTTTGAAACGGGGAGGACTAGAGGCACTATTCTCTGATGACCCG-3'
Protein context (NP_114432.2, residues 1033-1053): PPRFKTEKME[Ser1043=]KTVLPFTDKC